The following is an entry in ClinVar:

NM_007327.4(GRIN1):c.2401C>A (p.Arg801Ser)

Gene: GRIN1 (glutamate ionotropic receptor NMDA type subunit 1; plus strand). Cytogenetic location: 9q34.3.
Variant type: single nucleotide variant.
Coding change: c.2401C>A on transcript NM_007327.4 (MANE Select); coding-DNA position 2401, C replaced by A.
Protein change: p.Arg801Ser; replaces arginine 801 with serine.
Molecular consequence: missense variant.
Genome position (GRCh38, 1-based): chr9:137,163,626, C>A. VCF-style: chr9-137163626-C-A. GRCh37 (hg19) VCF-style: chr9-140058078-C-A.
Other names: c.2401C>A, p.Arg801Ser (NM_000832.7, NM_021569.4); c.2464C>A, p.Arg822Ser (NM_001185090.2, NM_001185091.2); short protein forms R801S, R822S.
Identifiers: ClinVar variation 2627459 (VCV002627459.1), dbSNP rs2538648038, ClinGen allele CA375725617.
Genomic context (GRCh38, chr9:137,163,626, plus strand): 5'-GAGAATGGCTTCATGGAAGACCTGGACAAGACGTGGGTTCGGTATCAGGAATGTGACTCG[C>A]GCAGCAACGCCCCTGCGACCCTTACTTTTGAGAACATGGCCGGTGCGTTCTCCTTCATCC-3'
Protein context (NP_015566.1, residues 791-811): TWVRYQECDS[Arg801Ser]SNAPATLTFE

ClinVar aggregate classification (germline): Uncertain significance (1 of 4 stars; one submission).

Conditions:
Neurodevelopmental disorder with or without hyperkinetic movements and seizures, autosomal dominant. Also called: Intellectual disability, autosomal dominant 8. Identifiers: MedGen C3280282, MONDO:0013655, OMIM 614254.

Submission:

Neuberg Centre For Genomic Medicine, NCGM
Classification: Uncertain significance for Neurodevelopmental disorder with or without hyperkinetic movements and seizures, autosomal dominant. Review status: criteria provided, single submitter. Criteria: ACMG Guidelines, 2015. Collection method: clinical testing. Allele origin: germline. Inheritance: Autosomal dominant inheritance. Affected: yes.
Comment: The missense variant p.R801S in GRIN1 (NM_007327.4) has not been reported previously as a pathogenic variant nor as a benign variant, to our knowledge. The missense variant c.2401C>A (p.R801S) in GRIN1 (NM_007327.4) is not observed in the large population cohorts of the gnomAD and 1000 Genomes datasets (Exome Aggregation Consortium et al., 2016; 1000 Genomes Consortium et al., 2015). In silico tools are contradictory in their predictions and the residue is conserved across species. For these reasons, this variant has been classified as Uncertain Significance.